The following is an entry in ClinVar:

NM_004817.4(TJP2):c.2491A>G (p.Thr831Ala)

Gene: TJP2 (tight junction protein 2; plus strand). Cytogenetic location: 9q21.11.
Variant type: single nucleotide variant.
Coding change: c.2491A>G on transcript NM_004817.4 (MANE Select); coding-DNA position 2491, A replaced by G.
Protein change: p.Thr831Ala; replaces threonine 831 with alanine.
Molecular consequence: missense variant.
Genome position (GRCh38, 1-based): chr9:69,240,072, A>G. VCF-style: chr9-69240072-A-G. GRCh37 (hg19) VCF-style: chr9-71854988-A-G.
Other names: c.2422A>G, p.Thr808Ala (NM_001170414.2, NM_001369871.1); c.2503A>G, p.Thr835Ala (NM_001170415.1, NM_001369874.1, NM_001369875.1); c.2584A>G, p.Thr862Ala (NM_001170416.2); c.2416A>G, p.Thr806Ala (NM_001369870.1); c.2491A>G, p.Thr831Ala (NM_001369872.1, NM_001369873.1, NM_201629.3); short protein forms T806A, T808A, T831A, T835A, T862A.
Identifiers: ClinVar variation 3253037 (VCV003253037.1), dbSNP rs756797073.

ClinVar aggregate classification (germline): Uncertain significance (1 of 4 stars; one submission).

Allele frequency attached by ClinVar (database versions not stated): ExAC 0.00002.
gnomAD v4.1: 7 of 1,614,172 alleles (0.00043%); highest among the groups gnomAD compares: Admixed American, 0.0083%; no homozygotes.

Submission:

GeneDx
Classification: Uncertain significance. Last evaluated: 2023-12-28. Review status: criteria provided, single submitter. Criteria: GeneDx Variant Classification Process June 2021. Collection method: clinical testing. Allele origin: germline. Affected: yes.
Comment: In silico analysis supports that this missense variant does not alter protein structure/function; Has not been previously published as pathogenic or benign to our knowledge